The following is an entry in ClinVar:

ClinVar aggregate classification (germline): Likely benign (1 of 4 stars; one submission).

Allele frequency attached by ClinVar (database versions not stated): gnomAD 0.00002; ExAC 0.00005.
gnomAD v4.1: 39 of 1,611,240 alleles (0.0024%); highest among the groups gnomAD compares: African/African-American, 0.012%; no homozygotes.

Submission:

CeGaT Center for Human Genetics Tuebingen
Classification: Likely benign. Last evaluated: 2022-05-01. Review status: criteria provided, single submitter. Criteria: CeGaT Center For Human Genetics Tuebingen Variant Classification Criteria Version 2. Collection method: clinical testing. Allele origin: germline. Affected: yes. Observed: 1 variant allele.
Comment: ZNF596: BP4, BP7

NM_001042416.3(ZNF596):c.1272C>T (p.Cys424=)

Gene: ZNF596 (zinc finger protein 596; plus strand). Cytogenetic location: 8p23.3.
Variant type: single nucleotide variant.
Coding change: c.1272C>T on transcript NM_001042416.3 (MANE Select); coding-DNA position 1272, C replaced by T.
Protein change: p.Cys424=; no amino-acid change (cysteine 424 retained).
Molecular consequence: synonymous variant.
Genome position (GRCh38, 1-based): chr8:246,119, C>T. VCF-style: chr8-246119-C-T. GRCh37 (hg19) VCF-style: chr8-196119-C-T.
Other names: c.1272C>T, p.Cys424= (NM_001042415.3, NM_001287254.2, NM_001287255.1 and 2 more transcripts); c.873C>T, p.Cys291= (NM_001287399.1).
Identifiers: ClinVar variation 2658289 (VCV002658289.24), dbSNP rs756701581, ClinGen allele CA4596311.
Genomic context (GRCh38, chr8:246,119, plus strand): 5'-TGACCTCAGACGACATGAGAGAACTCACACTGGAGAAAAACCATATGAATGCCATCTATG[C>T]GGAAAAGCCTTCAATCACTCTTCTGTCCTTAGACGACATGAGAGAACTCACACTGGAGAG-3'
Protein context (NP_001035881.1, residues 414-434): TGEKPYECHL[Cys424=]GKAFNHSSVL